The following is an entry in ClinVar:

NM_003737.4(DCHS1):c.7609C>T (p.Leu2537=)

Gene: DCHS1 (dachsous cadherin-related 1; minus strand). Cytogenetic location: 11p15.4.
Variant type: single nucleotide variant.
Coding change: c.7609C>T on transcript NM_003737.4 (MANE Select); coding-DNA position 7609, C replaced by T.
Protein change: p.Leu2537=; no amino-acid change (leucine 2537 retained).
Molecular consequence: synonymous variant.
Genome position (GRCh38, 1-based): chr11:6,624,067, G>A on the plus strand (C>T on the coding strand, the complement: DCHS1 is on the minus strand). VCF-style: chr11-6624067-G-A. GRCh37 (hg19) VCF-style: chr11-6645298-G-A.
Other names: c.7609C>T (NM_003737.3).
Identifiers: ClinVar variation 2987180 (VCV002987180.4), dbSNP rs756426550, ClinGen allele CA5859569.

ClinVar aggregate classification (germline): Likely benign. Review status: criteria provided, multiple submitters, no conflicts (2 of 4 stars). 2 submissions from 2 submitters: Likely benign (2). Last evaluated 2026-05-07.

Conditions:
DCHS1-related disorder. Also called: DCHS1-related condition.

Allele frequency attached by ClinVar (database versions not stated): ExAC 0.00001; TOPMed 0.00001; gnomAD 0.00002; gnomAD exomes 0.00002.
gnomAD v4.1: 29 of 1,613,022 alleles (0.0018%); highest among the groups gnomAD compares: Non-Finnish European, 0.0021%; no homozygotes.

Submissions (2):

PreventionGenetics, part of Exact Sciences
Classification: Likely benign for DCHS1-related condition. Last evaluated: 2026-05-07. Review status: criteria provided, single submitter. Criteria: ACMG Guidelines, 2015. Collection method: clinical testing. Allele origin: germline.
Comment: This variant is classified as likely benign based on ACMG/AMP sequence variant interpretation guidelines (Richards et al. 2015 PMID: 25741868, with internal and published modifications).

Labcorp Genetics (formerly Invitae), Labcorp
Classification: Likely benign. Last evaluated: 2024-04-17. Review status: criteria provided, single submitter. Criteria: Invitae Variant Classification Sherloc (09022015). Collection method: clinical testing. Allele origin: germline.